The following is an entry in ClinVar:

NM_001963.6(EGF):c.830G>T (p.Gly277Val)

Gene: EGF (epidermal growth factor; plus strand). Cytogenetic location: 4q25.
Variant type: single nucleotide variant.
Coding change: c.830G>T on transcript NM_001963.6 (MANE Select); coding-DNA position 830, G replaced by T.
Protein change: p.Gly277Val; replaces glycine 277 with valine.
Molecular consequence: missense variant.
Genome position (GRCh38, 1-based): chr4:109,945,165, G>T. VCF-style: chr4-109945165-G-T. GRCh37 (hg19) VCF-style: chr4-110866321-G-T.
Other names: c.830G>T, p.Gly277Val (NM_001178130.3, NM_001178131.3, NM_001357021.2); short protein forms G277V.
Identifiers: ClinVar variation 1364482 (VCV001364482.6), dbSNP rs913827959, ClinGen allele CA357877295.

ClinVar aggregate classification (germline): Uncertain significance (1 of 4 stars; one submission).

Allele frequency attached by ClinVar (database versions not stated): gnomAD exomes below 0.00001.
gnomAD v4.1: 1 of 1,614,080 alleles (0.000062%); no homozygotes.

Submission:

Labcorp Genetics (formerly Invitae), Labcorp
Classification: Uncertain significance. Last evaluated: 2022-03-04. Review status: criteria provided, single submitter. Criteria: Invitae Variant Classification Sherloc (09022015). Collection method: clinical testing. Allele origin: germline.
Comment: This sequence change replaces glycine, which is neutral and non-polar, with valine, which is neutral and non-polar, at codon 277 of the EGF protein (p.Gly277Val). In summary, the available evidence is currently insufficient to determine the role of this variant in disease. Therefore, it has been classified as a Variant of Uncertain Significance. Algorithms developed to predict the effect of missense changes on protein structure and function are either unavailable or do not agree on the potential impact of this missense change (SIFT: "Not Available"; PolyPhen-2: "Probably Damaging"; Align-GVGD: "Not Available"). This variant has not been reported in the literature in individuals affected with EGF-related conditions. This variant is present in population databases (no rsID available, gnomAD 0.004%).